The following is an entry in ClinVar:

ClinVar aggregate classification (germline): Likely benign. Review status: criteria provided, multiple submitters, no conflicts (2 of 4 stars). 3 submissions from 3 submitters: Likely benign (3). Last evaluated 2025-04-23.

Conditions:
Duchenne muscular dystrophy (DMD). Also called: MUSCULAR DYSTROPHY, PSEUDOHYPERTROPHIC PROGRESSIVE, DUCHENNE TYPE; Duchenne Muscular Dystrophy (DMD). Identifiers: Orphanet 98896, MedGen C0013264, MONDO:0010679, OMIM 310200.

Submissions (3):

Women's Health and Genetics/Laboratory Corporation of America, LabCorp
Classification: Likely benign. Last evaluated: 2025-04-23. Review status: criteria provided, single submitter. Criteria: LabCorp Variant Classification Summary - May 2015. Collection method: clinical testing. Allele origin: germline.
Comment: Variant summary: DMD c.4846-5C>T alters a non-conserved nucleotide located at a position not widely known to affect splicing. Consensus agreement among computation tools predict no significant impact on normal splicing. However, these predictions have yet to be confirmed by functional studies. The variant was absent in 182659 control chromosomes. The available data on variant occurrences in the general population are insufficient to allow any conclusion about variant significance. To our knowledge, no occurrence of c.4846-5C>T in individuals affected with DMD-related conditions and no experimental evidence demonstrating its impact on protein function have been reported. ClinVar contains an entry for this variant (Variation ID: 509142). Based on the evidence outlined above, the variant was classified as likely benign.

Labcorp Genetics (formerly Invitae), Labcorp
Classification: Likely benign for Duchenne muscular dystrophy. Last evaluated: 2024-10-24. Review status: criteria provided, single submitter. Criteria: Invitae Variant Classification Sherloc (09022015). Collection method: clinical testing. Allele origin: germline.

GeneDx
Classification: Likely benign. Last evaluated: 2019-06-05. Review status: criteria provided, single submitter. Criteria: GeneDx Variant Classification Process June 2021. Collection method: clinical testing. Allele origin: germline. Affected: yes.

NM_004006.3(DMD):c.4846-5C>T

Gene: DMD (dystrophin; minus strand). Cytogenetic location: Xp21.1.
Variant type: single nucleotide variant.
Coding change: c.4846-5C>T on transcript NM_004006.3 (MANE Select); 5 bases into the intron before coding-DNA position 4846, C replaced by T.
Molecular consequence: intron variant.
Genome position (GRCh38, 1-based): chrX:32,365,204, G>A on the plus strand (C>T on the coding strand, the complement: DMD is on the minus strand). VCF-style: chrX-32365204-G-A. GRCh37 (hg19) VCF-style: chrX-32383321-G-A.
Other names: c.4822-5C>T (NM_000109.4); c.823-5C>T (NM_004011.4); c.814-5C>T (NM_004012.4); c.4834-5C>T (NM_004009.3); c.4477-5C>T (NM_004010.3).
Identifiers: ClinVar variation 509142 (VCV000509142.14), dbSNP rs1557305776, ClinGen allele CA658799692.